The following is an entry in ClinVar:

ClinVar aggregate classification (germline): Conflicting classifications of pathogenicity. Review status: criteria provided, conflicting classifications (1 of 4 stars). 3 submissions from 3 submitters: Uncertain significance (2); Likely benign (1). Last evaluated 2025-02-16.

Allele frequency attached by ClinVar (database versions not stated): gnomAD exomes 0.00001; TOPMed 0.00001.
gnomAD v4.1: 13 of 1,614,134 alleles (0.00081%); highest among the groups gnomAD compares: South Asian, 0.0011%; no homozygotes.

Submissions (3):

Laboratory of Genetics, Children's Clinical University Hospital Latvia
Classification: Uncertain significance. Last evaluated: 2025-02-16. Review status: criteria provided, single submitter. Criteria: ACMG Guidelines, 2015. Collection method: clinical testing. Allele origin: germline. Affected: yes.

Labcorp Genetics (formerly Invitae), Labcorp
Classification: Uncertain significance. Last evaluated: 2022-09-01. Review status: criteria provided, single submitter. Criteria: Invitae Variant Classification Sherloc (09022015). Collection method: clinical testing. Allele origin: germline.
Comment: This sequence change affects codon 440 of the CTNNB1 mRNA. It is a 'silent' change, meaning that it does not change the encoded amino acid sequence of the CTNNB1 protein. This variant is not present in population databases (gnomAD no frequency). This variant has not been reported in the literature in individuals affected with CTNNB1-related conditions. ClinVar contains an entry for this variant (Variation ID: 1215642). Algorithms developed to predict the effect of sequence changes on RNA splicing suggest that this variant may create or strengthen a splice site. In summary, the available evidence is currently insufficient to determine the role of this variant in disease. Therefore, it has been classified as a Variant of Uncertain Significance.

GeneDx
Classification: Likely benign. Last evaluated: 2021-09-03. Review status: criteria provided, single submitter. Criteria: GeneDx Variant Classification Process June 2021. Collection method: clinical testing. Allele origin: germline. Affected: yes.
Comment: In silico analysis, which includes splice predictors and evolutionary conservation, suggests this variant may impact gene splicing. In the absence of RNA/functional studies, the actual effect of this sequence change is unknown.; Has not been previously published as pathogenic or benign to our knowledge

NM_001904.4(CTNNB1):c.1320A>G (p.Gln440=)

Genes: CTNNB1 (catenin beta 1; plus strand), LOC126806659 (BRD4-independent group 4 enhancer GRCh37_chr3:41274918-41276117; plus strand). Cytogenetic location: 3p22.1.
Variant type: single nucleotide variant.
Coding change: c.1320A>G on transcript NM_001904.4 (MANE Select); coding-DNA position 1320, A replaced by G.
Protein change: p.Gln440=; no amino-acid change (glutamine 440 retained).
Molecular consequence: synonymous variant.
Genome position (GRCh38, 1-based): chr3:41,233,663, A>G. VCF-style: chr3-41233663-A-G. GRCh37 (hg19) VCF-style: chr3-41275154-A-G.
Other names: c.1320A>G, p.Gln440= (NM_001098209.2, NM_001098210.2); c.1299A>G, p.Gln433= (NM_001330729.2).
Identifiers: ClinVar variation 1215642 (VCV001215642.8), dbSNP rs2078362860, ClinGen allele CA433346010.